The following is an entry in ClinVar:

NM_016734.3(PAX5):c.661C>T (p.Arg221Trp)

Gene: PAX5 (paired box 5; minus strand). Cytogenetic location: 9p13.2.
Variant type: single nucleotide variant.
Coding change: c.661C>T on transcript NM_016734.3 (MANE Select); coding-DNA position 661, C replaced by T.
Protein change: p.Arg221Trp; replaces arginine 221 with tryptophan.
Molecular consequence: missense variant. On other transcripts: non-coding transcript variant (2).
Genome position (GRCh38, 1-based): chr9:36,966,668, G>A on the plus strand (C>T on the coding strand, the complement: PAX5 is on the minus strand). VCF-style: chr9-36966668-G-A. GRCh37 (hg19) VCF-style: chr9-36966665-G-A.
Other names: c.661C>T, p.Arg221Trp (NM_001280547.2, NM_001280548.2, NM_001280549.2 and 2 more transcripts); c.337C>T, p.Arg113Trp (NM_001280551.2, NM_001280556.2); c.532C>T, p.Arg178Trp (NM_001280553.2, NM_001280554.2); c.463C>T, p.Arg155Trp (NM_001280555.2); c.661C>T (NM_016734.2); short protein forms R113W, R155W, R178W, R221W.
Identifiers: ClinVar variation 1210158 (VCV001210158.3), dbSNP rs2132194720, ClinGen allele CA373486843.

ClinVar aggregate classification (germline): Pathogenic (0 of 4 stars; one submission).

Conditions:
Leukemia, acute lymphoblastic, susceptibility to, 3 (ALL3). Identifiers: MedGen C3809874, MONDO:0014241, OMIM 615545.
Neurodevelopmental disorder. Identifiers: MedGen C1535926, MeSH D065886, MONDO:0700092.

Allele frequency attached by ClinVar (database versions not stated): gnomAD exomes below 0.00001.
gnomAD v4.1: 6 of 1,614,220 alleles (0.00037%); highest among the groups gnomAD compares: Non-Finnish European, 0.00042%; no homozygotes.

Submission:

Daryl Scott Lab, Baylor College of Medicine
Classification: Pathogenic for Neurodevelopmental disorder. Last evaluated: 2021-08-23. Review status: no assertion criteria provided. Collection method: research. Allele origin: de novo. Affected: yes. Observed: 1 variant allele.

Literature cited by the submitters: PubMed 35094443 (cited by Daryl Scott Lab, Baylor College of Medicine).